The following is an entry in ClinVar:

ClinVar aggregate classification (germline): Pathogenic/Likely pathogenic. Review status: criteria provided, multiple submitters, no conflicts (2 of 4 stars). 2 submissions from 2 submitters: Pathogenic (1); Likely pathogenic (1). Last evaluated 2025-07-17.

Conditions:
RYR1-related disorder. Also called: RYR1-related disorders; RYR1-related condition. Identifiers: MedGen CN239331.

Submissions (2):

PreventionGenetics, part of Exact Sciences
Classification: Likely pathogenic for RYR1-related condition. Last evaluated: 2025-07-17. Review status: criteria provided, single submitter. Criteria: ACMG Guidelines, 2015. Collection method: clinical testing. Allele origin: germline.
Comment: The RYR1 c.3883C>T variant is predicted to result in premature protein termination (p.Gln1295*). To our knowledge, this variant has not been reported in the literature or in a large population database, indicating this variant is rare. Loss-of-function variants, including frameshift, splicing, and nonsense variants have only been observed for the autosomal recessive myopathy phenotype and are expected to be pathogenic for this phenotype. Loss-of-function variants are not established for autosomal dominant malignant hyperthermia. Taken together, this variant is interpreted as likely pathogenic for autosomal recessive RYR1-related disorders and interpreted as uncertain for autosomal dominant malignant hyperthermia.

Labcorp Genetics (formerly Invitae), Labcorp
Classification: Pathogenic for RYR1-related disorder. Last evaluated: 2024-02-06. Review status: criteria provided, single submitter. Criteria: Invitae Variant Classification Sherloc (09022015). Collection method: clinical testing. Allele origin: germline.
Comment: This sequence change creates a premature translational stop signal (p.Gln1295*) in the RYR1 gene. It is expected to result in an absent or disrupted protein product. Loss-of-function variants in RYR1 are known to be pathogenic (PMID: 23919265, 25960145, 28818389, 30611313). This variant is not present in population databases (gnomAD no frequency). This variant has not been reported in the literature in individuals affected with RYR1-related conditions. For these reasons, this variant has been classified as Pathogenic.

Literature cited by the submitters: PubMed 23919265 (cited by Labcorp Genetics (formerly Invitae), Labcorp); PubMed 25960145 (cited by Labcorp Genetics (formerly Invitae), Labcorp); PubMed 28818389 (cited by Labcorp Genetics (formerly Invitae), Labcorp); PubMed 30611313 (cited by Labcorp Genetics (formerly Invitae), Labcorp).

NM_000540.3(RYR1):c.3883C>T (p.Gln1295Ter)

Gene: RYR1 (ryanodine receptor 1; plus strand). Cytogenetic location: 19q13.2.
Variant type: single nucleotide variant.
Coding change: c.3883C>T on transcript NM_000540.3 (MANE Select); coding-DNA position 3883, C replaced by T.
Protein change: p.Gln1295Ter; replaces glutamine 1295 with a stop codon.
Molecular consequence: nonsense.
Genome position (GRCh38, 1-based): chr19:38,473,494, C>T. VCF-style: chr19-38473494-C-T. GRCh37 (hg19) VCF-style: chr19-38964134-C-T.
Other names: c.3883C>T, p.Gln1295Ter (NM_001042723.2); short protein forms Q1295*.
Identifiers: ClinVar variation 3707090 (VCV003707090.3).
Genomic context (GRCh38, chr19:38,473,494, plus strand): 5'-ACCTGGGGCTCCCAGAACAGCCTGGTGGAGATGCTTTTCCTGCGGCTGAGCCTCCCAGTC[C>T]AGTTCCACCAGCACTTCCGCTGCACTGCAGGGGCCACCCCGCTGGCACCTCCTGGCCTGC-3'